The following is an entry in ClinVar:

NM_000443.4(ABCB4):c.2505T>G (p.Ile835Met)

Gene: ABCB4 (ATP binding cassette subfamily B member 4; minus strand). Cytogenetic location: 7q21.12.
Variant type: single nucleotide variant.
Coding change: c.2505T>G on transcript NM_000443.4 (MANE Select); coding-DNA position 2505, T replaced by G.
Protein change: p.Ile835Met; replaces isoleucine 835 with methionine.
Molecular consequence: missense variant.
Genome position (GRCh38, 1-based): chr7:87,417,489, A>C on the plus strand (T>G on the coding strand, the complement: ABCB4 is on the minus strand). VCF-style: chr7-87417489-A-C. GRCh37 (hg19) VCF-style: chr7-87046805-A-C.
Other names: c.2505T>G, p.Ile835Met (NM_018849.3, NM_018850.3); c.2505T>G (NM_000443.3); short protein forms I835M.
Identifiers: ClinVar variation 3019410 (VCV003019410.4), dbSNP rs1355960389, ClinGen allele CA368061612.
Genomic context (GRCh38, chr7:87,417,489, plus strand): 5'-CTGCCAACCGTAGATAAATGATATGATAATACCAGTTCCAAGGTTAGCTATATTCTGTGC[A>C]ATTAAAGCCAACCTGGTTCCTGTGGCCTGGGAGAGAAAAAGCACAAAGCAACTGTAGTTT-3'
Protein context (NP_000434.1, residues 825-845): QGATGTRLAL[Ile835Met]AQNIANLGTG

ClinVar aggregate classification (germline): Uncertain significance. Review status: criteria provided, single submitter (1 of 4 stars). 2 submissions from 2 submitters: Uncertain significance (1). 1 of the submissions does not count toward it. Last evaluated 2023-10-03.

Conditions:
ABCB4-related disorder. Also called: ABCB4-related disorders; ABCB4-related condition.

Allele frequency attached by ClinVar (database versions not stated): gnomAD exomes below 0.00001; gnomAD 0.00001.
gnomAD v4.1: 5 of 1,614,066 alleles (0.00031%); highest among the groups gnomAD compares: Non-Finnish European, 0.00042%; no homozygotes.

Submissions (2):

Labcorp Genetics (formerly Invitae), Labcorp
Classification: Uncertain significance. Last evaluated: 2023-10-03. Review status: criteria provided, single submitter. Criteria: Invitae Variant Classification Sherloc (09022015). Collection method: clinical testing. Allele origin: germline.
Comment: This sequence change replaces isoleucine, which is neutral and non-polar, with methionine, which is neutral and non-polar, at codon 835 of the ABCB4 protein (p.Ile835Met). This variant is present in population databases (no rsID available, gnomAD 0.01%). This variant has not been reported in the literature in individuals affected with ABCB4-related conditions. Algorithms developed to predict the effect of missense changes on protein structure and function output the following: SIFT: "Not Available"; PolyPhen-2: "Benign"; Align-GVGD: "Not Available". The methionine amino acid residue is found in multiple mammalian species, which suggests that this missense change does not adversely affect protein function. In summary, the available evidence is currently insufficient to determine the role of this variant in disease. Therefore, it has been classified as a Variant of Uncertain Significance.

PreventionGenetics, part of Exact Sciences
Classification: Uncertain significance for ABCB4-related condition. Last evaluated: 2024-03-12. Review status: no assertion criteria provided. Collection method: clinical testing. Allele origin: germline. Not counted in ClinVar's aggregate classification.
Comment: The ABCB4 c.2505T>G variant is predicted to result in the amino acid substitution p.Ile835Met. To our knowledge, this variant has not been reported in the literature. This variant is reported in 0.013% of alleles in individuals of European (Non-Finnish) descent in gnomAD. At this time, the clinical significance of this variant is uncertain due to the absence of conclusive functional and genetic evidence.